The following is an entry in ClinVar:

NM_138413.4(HOGA1):c.579G>A (p.Val193=)

Gene: HOGA1 (4-hydroxy-2-oxoglutarate aldolase 1; plus strand). Cytogenetic location: 10q24.2.
Variant type: single nucleotide variant.
Coding change: c.579G>A on transcript NM_138413.4 (MANE Select); coding-DNA position 579, G replaced by A.
Protein change: p.Val193=; no amino-acid change (valine 193 retained).
Molecular consequence: synonymous variant. On other transcripts: intron variant (1).
Genome position (GRCh38, 1-based): chr10:97,599,790, G>A. VCF-style: chr10-97599790-G-A. GRCh37 (hg19) VCF-style: chr10-99359547-G-A.
Other names: c.212-2067G>A (NM_001134670.2).
Identifiers: ClinVar variation 765918 (VCV000765918.13), dbSNP rs142057128, ClinGen allele CA5634155.

ClinVar aggregate classification (germline): Likely benign. Review status: criteria provided, multiple submitters, no conflicts (2 of 4 stars). 4 submissions from 4 submitters: Likely benign (4). Last evaluated 2026-04-10.

Conditions:
Primary hyperoxaluria type 3. Also called: PH III. Identifiers: Orphanet 416, Orphanet 93600, MedGen C3150878, MONDO:0013327, OMIM 613616. Disease mechanism: loss of function.
HOGA1-related disorder. Also called: HOGA1-related condition.

Allele frequency attached by ClinVar (database versions not stated): ExAC 0.00008; gnomAD exomes 0.00010 and 0.00027; TOPMed 0.00012; gnomAD 0.00015 and 0.00016; ESP Exome Variant Server 0.00031.
gnomAD v4.1: 402 of 1,614,090 alleles (0.025%); highest among the groups gnomAD compares: Non-Finnish European, 0.033%; no homozygotes.

Submissions (4):

PreventionGenetics, part of Exact Sciences
Classification: Likely benign for HOGA1-related condition. Last evaluated: 2026-04-10. Review status: criteria provided, single submitter. Criteria: ACMG Guidelines, 2015. Collection method: clinical testing. Allele origin: germline.
Comment: This variant is classified as likely benign based on ACMG/AMP sequence variant interpretation guidelines (Richards et al. 2015 PMID: 25741868, with internal and published modifications).

Labcorp Genetics (formerly Invitae), Labcorp
Classification: Likely benign. Last evaluated: 2025-06-03. Review status: criteria provided, single submitter. Criteria: Invitae Variant Classification Sherloc (09022015). Collection method: clinical testing. Allele origin: germline.

Blueprint Genetics
Classification: Likely benign. Last evaluated: 2024-11-26. Review status: criteria provided, single submitter. Criteria: ACMG Guidelines, 2015. Collection method: clinical testing. Allele origin: germline.

Fulgent Genetics
Classification: Likely benign for Primary hyperoxaluria type 3. Last evaluated: 2021-08-03. Review status: criteria provided, single submitter. Criteria: ACMG Guidelines, 2015. Collection method: clinical testing. Allele origin: unknown.